The following is an entry in ClinVar:

ClinVar aggregate classification (germline): Likely benign. Review status: criteria provided, multiple submitters, no conflicts (2 of 4 stars). 3 submissions from 3 submitters: Likely benign (3). Last evaluated 2025-10-18.

Conditions:
MECOM-related disorder. Also called: MECOM-related condition.
Inborn genetic diseases. Identifiers: MedGen C0950123, MeSH D030342.

Allele frequency attached by ClinVar (database versions not stated): gnomAD 0.00012; TOPMed 0.00032; 1000 Genomes Project 0.00040; 1000 Genomes Project 30x 0.00062.
gnomAD v4.1: 86 of 1,613,486 alleles (0.0053%); highest among the groups gnomAD compares: Admixed American, 0.045%; 1 homozygote.

Submissions (3):

Labcorp Genetics (formerly Invitae), Labcorp
Classification: Likely benign. Last evaluated: 2025-10-18. Review status: criteria provided, single submitter. Criteria: Invitae Variant Classification Sherloc (09022015). Collection method: clinical testing. Allele origin: germline.

PreventionGenetics, part of Exact Sciences
Classification: Likely benign for MECOM-related condition. Last evaluated: 2024-12-12. Review status: criteria provided, single submitter. Criteria: ACMG Guidelines, 2015. Collection method: clinical testing. Allele origin: germline.
Comment: This variant is classified as likely benign based on ACMG/AMP sequence variant interpretation guidelines (Richards et al. 2015 PMID: 25741868, with internal and published modifications).

Ambry Genetics
Classification: Likely benign for Inborn genetic diseases. Last evaluated: 2024-11-22. Review status: criteria provided, single submitter. Criteria: Ambry Variant Classification Scheme 2023. Collection method: clinical testing. Allele origin: germline.

NM_004991.4(MECOM):c.1080G>A (p.Ser360=)

Gene: MECOM (MDS1 and EVI1 complex locus; minus strand). Cytogenetic location: 3q26.2.
Variant type: single nucleotide variant.
Coding change: c.1080G>A on transcript NM_004991.4 (MANE Select); coding-DNA position 1080, G replaced by A.
Protein change: p.Ser360=; no amino-acid change (serine 360 retained).
Molecular consequence: synonymous variant.
Genome position (GRCh38, 1-based): chr3:169,121,108, C>T on the plus strand (G>A on the coding strand, the complement: MECOM is on the minus strand). VCF-style: chr3-169121108-C-T. GRCh37 (hg19) VCF-style: chr3-168838896-C-T.
Other names: c.711G>A, p.Ser237= (NM_001105077.4); c.516G>A, p.Ser172= (NM_001105078.4, NM_001164000.2, NM_001205194.2 and 5 more transcripts); c.519G>A, p.Ser173= (NM_001163999.2, NM_001366467.2, NM_001366468.2 and 1 more transcripts); c.1080G>A, p.Ser360= (NM_001366466.2, NM_001366473.2); c.516G>A (NM_001105078.3); c.1080G>A (NM_004991.3).
Identifiers: ClinVar variation 2716708 (VCV002716708.5), dbSNP rs185054275, ClinGen allele CA2696391.